The following is an entry in ClinVar:

NM_001278064.2(GRM1):c.1288G>T (p.Ala430Ser)

Gene: GRM1 (glutamate metabotropic receptor 1; plus strand). Cytogenetic location: 6q24.3.
Variant type: single nucleotide variant.
Coding change: c.1288G>T on transcript NM_001278064.2 (MANE Select); coding-DNA position 1288, G replaced by T.
Protein change: p.Ala430Ser; replaces alanine 430 with serine.
Molecular consequence: missense variant.
Genome position (GRCh38, 1-based): chr6:146,352,351, G>T. VCF-style: chr6-146352351-G-T. GRCh37 (hg19) VCF-style: chr6-146673487-G-T.
Other names: c.1288G>T, p.Ala430Ser (NM_001278065.2, NM_001278066.1, NM_001278067.1); short protein forms A430S.
Identifiers: ClinVar variation 2127019 (VCV002127019.4), dbSNP rs2483758813, ClinGen allele CA366189182.

ClinVar aggregate classification (germline): Uncertain significance (1 of 4 stars; one submission).

gnomAD v4.1: 2 of 1,614,148 alleles (0.00012%); highest among the groups gnomAD compares: Non-Finnish European, 0.00017%; no homozygotes.

Submission:

Labcorp Genetics (formerly Invitae), Labcorp
Classification: Uncertain significance. Last evaluated: 2024-10-24. Review status: criteria provided, single submitter. Criteria: Invitae Variant Classification Sherloc (09022015). Collection method: clinical testing. Allele origin: germline.
Comment: This sequence change replaces alanine, which is neutral and non-polar, with serine, which is neutral and polar, at codon 430 of the GRM1 protein (p.Ala430Ser). This variant is not present in population databases (gnomAD no frequency). This variant has not been reported in the literature in individuals affected with GRM1-related conditions. ClinVar contains an entry for this variant (Variation ID: 2127019). An algorithm developed to predict the effect of missense changes on protein structure and function (PolyPhen-2) suggests that this variant is likely to be tolerated. In summary, the available evidence is currently insufficient to determine the role of this variant in disease. Therefore, it has been classified as a Variant of Uncertain Significance.